The following is an entry in ClinVar:

NM_005026.5(PIK3CD):c.3040_*318delinsGCACT (p.His1014fs)

Gene: PIK3CD (phosphatidylinositol-4,5-bisphosphate 3-kinase catalytic subunit delta; plus strand). Cytogenetic location: 1p36.22.
Variant type: Indel.
Coding change: c.3040_*318delinsGCACT on transcript NM_005026.5 (MANE Select); coding-DNA position 3040 through 318 bases downstream of the stop codon, the reference bases replaced by GCACT.
Protein change: p.His1014fs; shifts the reading frame from histidine 1014.
Molecular consequence: frameshift variant.
Genome position (GRCh38, 1-based): chr1:9,726,951-9,727,364, 414 bases replaced. GRCh37 (hg19): chr1:9,787,009-9,787,422.
Other names: c.3037_*318delinsGCACT, p.His1013fs (NM_001350234.2); c.2953_*318delinsGCACT, p.His985fs (NM_001350235.1); short protein forms H1013fs, H1014fs, H985fs.
Identifiers: ClinVar variation 3664572 (VCV003664572.2).

ClinVar aggregate classification (germline): Uncertain significance (1 of 4 stars; one submission).

Conditions:
Immunodeficiency 14 (IMD14A). Also called: IMMUNODEFICIENCY 14A WITH LYMPHOPROLIFERATION, AUTOSOMAL DOMINANT; p110-DELTA-ACTIVATING MUTATION CAUSING SENESCENT T CELLS, LYMPHADENOPATHY, AND IMMUNODEFICIENCY; ACTIVATED PI3K-DELTA SYNDROME 1; Activated PI3K Delta Syndrome Type 1 (APDS1). Identifiers: Orphanet 397596, Orphanet 693661, MedGen C5907821, MONDO:0014222, OMIM 615513.

Submission:

Labcorp Genetics (formerly Invitae), Labcorp
Classification: Uncertain significance for Activated PI3K-delta syndrome. Last evaluated: 2024-09-05. Review status: criteria provided, single submitter. Criteria: Invitae Variant Classification Sherloc (09022015). Collection method: clinical testing. Allele origin: germline.
Comment: This sequence change creates a premature translational stop signal (p.His1014Alafs*31) in the PIK3CD gene. While this is not anticipated to result in nonsense mediated decay, it is expected to disrupt the last 31 amino acid(s) of the PIK3CD protein. This variant is not present in population databases (gnomAD no frequency). This variant has not been reported in the literature in individuals affected with PIK3CD-related conditions. In summary, the available evidence is currently insufficient to determine the role of this variant in disease. Therefore, it has been classified as a Variant of Uncertain Significance.